The following is an entry in ClinVar:

ClinVar aggregate classification (germline): Uncertain significance (1 of 4 stars; one submission).

Conditions:
Bloom syndrome (BLM). Also called: Bloom-Torre-Machacek syndrome. Identifiers: Orphanet 125, MedGen C0005859, MONDO:0008876, OMIM 210900.

Submission:

Labcorp Genetics (formerly Invitae), Labcorp
Classification: Uncertain significance for Bloom syndrome. Last evaluated: 2023-06-29. Review status: criteria provided, single submitter. Criteria: Invitae Variant Classification Sherloc (09022015). Collection method: clinical testing. Allele origin: germline.
Comment: In summary, the available evidence is currently insufficient to determine the role of this variant in disease. Therefore, it has been classified as a Variant of Uncertain Significance. This sequence change replaces serine, which is neutral and polar, with threonine, which is neutral and polar, at codon 969 of the BLM protein (p.Ser969Thr). This variant is not present in population databases (gnomAD no frequency). This variant has not been reported in the literature in individuals affected with BLM-related conditions. Advanced modeling of protein sequence and biophysical properties (such as structural, functional, and spatial information, amino acid conservation, physicochemical variation, residue mobility, and thermodynamic stability) performed at Invitae indicates that this missense variant is expected to disrupt BLM protein function.

NM_000057.4(BLM):c.2905T>A (p.Ser969Thr)

Gene: BLM (BLM RecQ like helicase; plus strand). Cytogenetic location: 15q26.1.
Variant type: single nucleotide variant.
Coding change: c.2905T>A on transcript NM_000057.4 (MANE Select); coding-DNA position 2905, T replaced by A.
Protein change: p.Ser969Thr; replaces serine 969 with threonine.
Molecular consequence: missense variant.
Genome position (GRCh38, 1-based): chr15:90,790,730, T>A. VCF-style: chr15-90790730-T-A. GRCh37 (hg19) VCF-style: chr15-91333960-T-A.
Other names: c.2905T>A, p.Ser969Thr (NM_001287246.2, NM_001287247.2); c.1780T>A, p.Ser594Thr (NM_001287248.2); short protein forms S594T, S969T.
Identifiers: ClinVar variation 2732748 (VCV002732748.3), dbSNP rs2505516424, ClinGen allele CA393846384.